The following is an entry in ClinVar:

NM_004380.3(CREBBP):c.486G>A (p.Ala162=)

Gene: CREBBP (CREB binding lysine acetyltransferase; minus strand). Cytogenetic location: 16p13.3.
Variant type: single nucleotide variant.
Coding change: c.486G>A on transcript NM_004380.3 (MANE Select); coding-DNA position 486, G replaced by A.
Protein change: p.Ala162=; no amino-acid change (alanine 162 retained).
Molecular consequence: synonymous variant.
Genome position (GRCh38, 1-based): chr16:3,850,609, C>T on the plus strand (G>A on the coding strand, the complement: CREBBP is on the minus strand). VCF-style: chr16-3850609-C-T. GRCh37 (hg19) VCF-style: chr16-3900610-C-T.
Other names: c.486G>A, p.Ala162= (NM_001079846.1).
Identifiers: ClinVar variation 3049083 (VCV003049083.4), dbSNP rs753948670, ClinGen allele CA7870664.
Genomic context (GRCh38, chr16:3,850,609, plus strand): 5'-GTTAAAGTTAGCATTCATGCAGATACCAGGTCCAGTCTGTGACGTGGCAGGGCTGCTAGT[C>T]GCCAGCCCCACTTGCTTTTGTGCTTGCGGATTCAGTGCTTGGGAGGCAGCGGGGGTGGGC-3'
Protein context (NP_004371.2, residues 152-172): NPQAQKQVGL[Ala162=]TSSPATSQTG

ClinVar aggregate classification (germline): Benign. Review status: criteria provided, single submitter (1 of 4 stars). 2 submissions from 2 submitters: Benign (1). 1 of the submissions does not count toward it. Last evaluated 2024-02-03.

Conditions:
Rubinstein-Taybi syndrome (RSTS). Identifiers: Orphanet 783, MedGen C0035934, MONDO:0019188.
CREBBP-related disorder. Also called: CREBBP-related disorders; CREBBP-related condition.

Allele frequency attached by ClinVar (database versions not stated): gnomAD 0.00001; TOPMed 0.00001; ExAC 0.00002; gnomAD exomes 0.00002.
gnomAD v4.1: 34 of 1,614,102 alleles (0.0021%); highest among the groups gnomAD compares: East Asian, 0.0089%; no homozygotes.

Submissions (2):

Labcorp Genetics (formerly Invitae), Labcorp
Classification: Benign for Rubinstein-Taybi syndrome. Last evaluated: 2024-02-03. Review status: criteria provided, single submitter. Criteria: Invitae Variant Classification Sherloc (09022015). Collection method: clinical testing. Allele origin: germline.

PreventionGenetics, part of Exact Sciences
Classification: Likely benign for CREBBP-related condition. Last evaluated: 2024-01-03. Review status: no assertion criteria provided. Collection method: clinical testing. Allele origin: germline. Not counted in ClinVar's aggregate classification.
Comment: This variant is classified as likely benign based on ACMG/AMP sequence variant interpretation guidelines (Richards et al. 2015 PMID: 25741868, with internal and published modifications).